The following is an entry in ClinVar:

NM_017491.5(WDR1):c.657G>T (p.Lys219Asn)

Gene: WDR1 (WD repeat domain 1; minus strand). Cytogenetic location: 4p16.1.
Variant type: single nucleotide variant.
Coding change: c.657G>T on transcript NM_017491.5 (MANE Select); coding-DNA position 657, G replaced by T.
Protein change: p.Lys219Asn; replaces lysine 219 with asparagine.
Molecular consequence: missense variant.
Genome position (GRCh38, 1-based): chr4:10,088,353, C>A on the plus strand (G>T on the coding strand, the complement: WDR1 is on the minus strand). VCF-style: chr4-10088353-C-A. GRCh37 (hg19) VCF-style: chr4-10089977-C-A.
Other names: c.237G>T, p.Lys79Asn (NM_005112.5); c.657G>T (NM_017491.3); short protein forms K79N, K219N.
Identifiers: ClinVar variation 1498051 (VCV001498051.5), dbSNP rs530679433, ClinGen allele CA2857916.
Genomic context (GRCh38, chr4:10,088,353, plus strand): 5'-TGCGTAAATCCCACCGTCGTGGGCCTTGCTTCCGCCCAGCGCGCACACCTTCTCCCCAGT[C>A]TTCCCGTCATAGATGTATATCTTCCAAGAAATAAAAACATGTGGGTCATGTGTGTGTGAA-3'
Protein context (NP_059830.1, residues 209-229): ADGQIYIYDG[Lys219Asn]TGEKVCALGG

ClinVar aggregate classification (germline): Uncertain significance. Review status: criteria provided, multiple submitters, no conflicts (2 of 4 stars). 2 submissions from 2 submitters: Uncertain significance (2). Last evaluated 2025-10-15.

Conditions:
Inborn genetic diseases. Identifiers: MedGen C0950123, MeSH D030342.

Allele frequency attached by ClinVar (database versions not stated): ExAC 0.00005.
gnomAD v4.1: 13 of 1,558,876 alleles (0.00083%); highest among the groups gnomAD compares: Admixed American, 0.025%; no homozygotes.

Submissions (2):

Labcorp Genetics (formerly Invitae), Labcorp
Classification: Uncertain significance. Last evaluated: 2025-10-15. Review status: criteria provided, single submitter. Criteria: Invitae Variant Classification Sherloc (09022015). Collection method: clinical testing. Allele origin: germline.
Comment: This sequence change replaces lysine, which is basic and polar, with asparagine, which is neutral and polar, at codon 219 of the WDR1 protein (p.Lys219Asn). This variant is present in population databases (rs530679433, gnomAD 0.04%). This variant has not been reported in the literature in individuals affected with WDR1-related conditions. ClinVar contains an entry for this variant (Variation ID: 1498051). An algorithm developed to predict the effect of missense changes on protein structure and function (PolyPhen-2) suggests that this variant is likely to be tolerated. In summary, the available evidence is currently insufficient to determine the role of this variant in disease. Therefore, it has been classified as a Variant of Uncertain Significance.

Ambry Genetics
Classification: Uncertain significance for Inborn genetic diseases. Last evaluated: 2024-06-22. Review status: criteria provided, single submitter. Criteria: Ambry Variant Classification Scheme 2023. Collection method: clinical testing. Allele origin: germline.